The following is an entry in ClinVar:

ClinVar aggregate classification (germline): Likely benign. Review status: criteria provided, multiple submitters, no conflicts (2 of 4 stars). 3 submissions from 3 submitters: Likely benign (3). Last evaluated 2023-02-14.

Conditions:
Inborn genetic diseases. Identifiers: MedGen C0950123, MeSH D030342.
Charcot-Marie-Tooth disease axonal type 2C (HMSN2C). Also called: CHARCOT-MARIE-TOOTH DISEASE, AXONAL, AUTOSOMAL DOMINANT, TYPE 2C; Charcot-Marie-Tooth Neuropathy Type 2C; Charcot-Marie-Tooth Disease Type 2, TRPV4-Related (CMT2C). Identifiers: Orphanet 99937, MedGen C1853710, MONDO:0011633, OMIM 606071.

Allele frequency attached by ClinVar (database versions not stated): gnomAD 0.00004 and 0.00003; gnomAD exomes 0.00002.
gnomAD v4.1: 48 of 1,613,604 alleles (0.003%); highest among the groups gnomAD compares: African/African-American, 0.0093%; no homozygotes.

Submissions (3):

Labcorp Genetics (formerly Invitae), Labcorp
Classification: Likely benign for Charcot-Marie-Tooth disease axonal type 2C. Last evaluated: 2023-02-14. Review status: criteria provided, single submitter. Criteria: Invitae Variant Classification Sherloc (09022015). Collection method: clinical testing. Allele origin: germline.

CeGaT Center for Human Genetics Tuebingen
Classification: Likely benign. Last evaluated: 2022-09-01. Review status: criteria provided, single submitter. Criteria: CeGaT Center For Human Genetics Tuebingen Variant Classification Criteria Version 2. Collection method: clinical testing. Allele origin: germline. Affected: yes. Observed: 1 variant allele.
Comment: TRPV4: BP4, BP7

Ambry Genetics
Classification: Likely benign for Inborn genetic diseases. Last evaluated: 2019-07-11. Review status: criteria provided, single submitter. Criteria: Ambry Variant Classification Scheme 2023. Collection method: clinical testing. Allele origin: germline.

NM_021625.5(TRPV4):c.153G>A (p.Pro51=)

Gene: TRPV4 (transient receptor potential cation channel subfamily V member 4; minus strand). Cytogenetic location: 12q24.11.
Variant type: single nucleotide variant.
Coding change: c.153G>A on transcript NM_021625.5 (MANE Select); coding-DNA position 153, G replaced by A.
Protein change: p.Pro51=; no amino-acid change (proline 51 retained).
Molecular consequence: synonymous variant. On other transcripts: intron variant (1).
Genome position (GRCh38, 1-based): chr12:109,814,644, C>T on the plus strand (G>A on the coding strand, the complement: TRPV4 is on the minus strand). VCF-style: chr12-109814644-C-T. GRCh37 (hg19) VCF-style: chr12-110252449-C-T.
Other names: c.153G>A, p.Pro51= (NM_001177428.2, NM_001177433.2, NM_147204.3); c.80-29G>A (NM_001177431.1).
Identifiers: ClinVar variation 536853 (VCV000536853.36), dbSNP rs577306678, ClinGen allele CA243478968.
Genomic context (GRCh38, chr12:109,814,644, plus strand): 5'-GAACTTCATGCGCAGATTTGGTCGCCCATCGCCTGGGCCAGCAGGGCGACTGGCATCAGC[C>T]GGTGAGGGCGAAAGGGAGCCATCCTCCCCCTCAAACAGATTGGCCAGGGAGGAGAGAGGA-3'
Protein context (NP_067638.3, residues 41-61): EGEDGSLSPS[Pro51=]ADASRPAGPG